The following is an entry in ClinVar:

ClinVar aggregate classification (germline): Uncertain significance (1 of 4 stars; one submission).

Allele frequency attached by ClinVar (database versions not stated): gnomAD 0.00001; gnomAD exomes 0.00001; TOPMed 0.00002.
gnomAD v4.1: 9 of 1,608,764 alleles (0.00056%); highest among the groups gnomAD compares: Non-Finnish European, 0.00068%; no homozygotes.

Submission:

Labcorp Genetics (formerly Invitae), Labcorp
Classification: Uncertain significance. Last evaluated: 2022-07-14. Review status: criteria provided, single submitter. Criteria: Invitae Variant Classification Sherloc (09022015). Collection method: clinical testing. Allele origin: germline.
Comment: This sequence change replaces arginine, which is basic and polar, with threonine, which is neutral and polar, at codon 67 of the STN1 protein (p.Arg67Thr). This variant is not present in population databases (gnomAD no frequency). This variant has not been reported in the literature in individuals affected with STN1-related conditions. Algorithms developed to predict the effect of missense changes on protein structure and function (SIFT, PolyPhen-2, Align-GVGD) all suggest that this variant is likely to be disruptive. In summary, the available evidence is currently insufficient to determine the role of this variant in disease. Therefore, it has been classified as a Variant of Uncertain Significance.

NM_024928.5(STN1):c.200G>C (p.Arg67Thr)

Gene: STN1 (STN1 subunit of CST complex; minus strand). Cytogenetic location: 10q24.33.
Variant type: single nucleotide variant.
Coding change: c.200G>C on transcript NM_024928.5 (MANE Select); coding-DNA position 200, G replaced by C.
Protein change: p.Arg67Thr; replaces arginine 67 with threonine.
Molecular consequence: missense variant.
Genome position (GRCh38, 1-based): chr10:103,910,556, C>G on the plus strand (G>C on the coding strand, the complement: STN1 is on the minus strand). VCF-style: chr10-103910556-C-G. GRCh37 (hg19) VCF-style: chr10-105670314-C-G.
Other names: short protein forms R67T.
Identifiers: ClinVar variation 1912515 (VCV001912515.2), dbSNP rs1445418514, ClinGen allele CA378049604.